The following is an entry in ClinVar:

NM_001267550.2(TTN):c.58601G>C (p.Ser19534Thr)

Genes: TTN (titin; minus strand), TTN-AS1 (TTN antisense RNA 1; plus strand). Cytogenetic location: 2q31.2.
Variant type: single nucleotide variant.
Coding change: c.58601G>C on transcript NM_001267550.2 (MANE Select); coding-DNA position 58601, G replaced by C.
Protein change: p.Ser19534Thr; replaces serine 19534 with threonine.
Molecular consequence: missense variant.
Genome position (GRCh38, 1-based): chr2:178,593,699, C>G on the plus strand (G>C on the coding strand, the complement: TTN is on the minus strand). VCF-style: chr2-178593699-C-G. GRCh37 (hg19) VCF-style: chr2-179458426-C-G.
Other names: c.53678G>C, p.Ser17893Thr (NM_001256850.1); c.31406G>C, p.Ser10469Thr (NM_003319.4); c.50897G>C, p.Ser16966Thr (NM_133378.4); c.31781G>C, p.Ser10594Thr (NM_133432.3); c.31982G>C, p.Ser10661Thr (NM_133437.4); short protein forms S10469T, S10594T, S10661T, S16966T, S17893T, S19534T.
Identifiers: ClinVar variation 2438158 (VCV002438158.4), dbSNP rs563833549, ClinGen allele CA349504062.

ClinVar aggregate classification (germline): Uncertain significance. Review status: criteria provided, multiple submitters, no conflicts (2 of 4 stars). 2 submissions from 2 submitters: Uncertain significance (2). Last evaluated 2024-11-03.

Submissions (2):

GeneDx
Classification: Uncertain significance. Last evaluated: 2024-11-03. Review status: criteria provided, single submitter. Criteria: GeneDx Variant Classification Process June 2021. Collection method: clinical testing. Allele origin: germline. Affected: yes.
Comment: Not observed at significant frequency in large population cohorts (gnomAD); Missense variant in a gene in which most reported pathogenic variants are truncating/loss of function; Has not been previously published as pathogenic or benign to our knowledge

Revvity Omics, Revvity
Classification: Uncertain significance. Last evaluated: 2020-05-06. Review status: criteria provided, single submitter. Criteria: ACMG Guidelines, 2015. Collection method: clinical testing. Allele origin: germline.